The following is an entry in ClinVar:

NM_006231.4(POLE):c.3611G>T (p.Ser1204Ile)

Gene: POLE (DNA polymerase epsilon, catalytic subunit; minus strand). Cytogenetic location: 12q24.33.
Variant type: single nucleotide variant.
Coding change: c.3611G>T on transcript NM_006231.4 (MANE Select); coding-DNA position 3611, G replaced by T.
Protein change: p.Ser1204Ile; replaces serine 1204 with isoleucine.
Molecular consequence: missense variant.
Genome position (GRCh38, 1-based): chr12:132,649,861, C>A on the plus strand (G>T on the coding strand, the complement: POLE is on the minus strand). VCF-style: chr12-132649861-C-A. GRCh37 (hg19) VCF-style: chr12-133226447-C-A.
Other names: c.3611G>T (NM_006231.2); short protein forms S1204I.
Identifiers: ClinVar variation 842940 (VCV000842940.8), dbSNP rs1555224124, ClinGen allele CA387386986.
Genomic context (GRCh38, chr12:132,649,861, plus strand): 5'-GCTGGGTGAGGCAGCTTTACGAGGCCGAAGTCCTCCATGTCAGGAGCACTTGGCCTCGGA[C>A]TGTCTTCTGAGGCCTCGGCCATCGTGACCTGGAAAGACCCAGTGAAGCCTTAAATCTCAG-3'
Protein context (NP_006222.2, residues 1194-1214): QVTMAEASED[Ser1204Ile]PRPSAPDMED

ClinVar aggregate classification (germline): Uncertain significance. Review status: criteria provided, multiple submitters, no conflicts (2 of 4 stars). 2 submissions from 2 submitters: Uncertain significance (2). Last evaluated 2025-03-05.

Conditions:
Hereditary cancer-predisposing syndrome. Also called: Hereditary Cancer Syndrome; Hereditary neoplastic syndrome; Tumor predisposition; Neoplastic Syndromes, Hereditary. Identifiers: Orphanet 140162, MedGen C0027672, MeSH D009386, MONDO:0015356.

Submissions (2):

Ambry Genetics
Classification: Uncertain significance for Hereditary cancer-predisposing syndrome. Last evaluated: 2025-03-05. Review status: criteria provided, single submitter. Criteria: Ambry Variant Classification Scheme 2023. Collection method: clinical testing. Allele origin: germline.
Comment: The p.S1204I variant (also known as c.3611G>T), located in coding exon 30 of the POLE gene, results from a G to T substitution at nucleotide position 3611. The serine at codon 1204 is replaced by isoleucine, an amino acid with dissimilar properties. This amino acid position is conserved. In addition, this alteration is predicted to be tolerated by in silico analysis. Based on the available evidence, the clinical significance of this variant remains unclear.

Labcorp Genetics (formerly Invitae), Labcorp
Classification: Uncertain significance. Last evaluated: 2021-09-29. Review status: criteria provided, single submitter. Criteria: Invitae Variant Classification Sherloc (09022015). Collection method: clinical testing. Allele origin: germline.
Comment: In summary, the available evidence is currently insufficient to determine the role of this variant in disease. Therefore, it has been classified as a Variant of Uncertain Significance. Algorithms developed to predict the effect of missense changes on protein structure and function (SIFT, PolyPhen-2, Align-GVGD) all suggest that this variant is likely to be tolerated. This variant has not been reported in the literature in individuals affected with POLE-related conditions. This variant is not present in population databases (ExAC no frequency). This sequence change replaces serine with isoleucine at codon 1204 of the POLE protein (p.Ser1204Ile). The serine residue is weakly conserved and there is a large physicochemical difference between serine and isoleucine.